The following is an entry in ClinVar:

NM_032578.4(MYPN):c.3124C>T (p.Arg1042Cys)

Gene: MYPN (myopalladin; plus strand). Cytogenetic location: 10q21.3.
Variant type: single nucleotide variant.
Coding change: c.3124C>T on transcript NM_032578.4 (MANE Select); coding-DNA position 3124, C replaced by T.
Protein change: p.Arg1042Cys; replaces arginine 1042 with cysteine.
Molecular consequence: missense variant. On other transcripts: non-coding transcript variant (2).
Genome position (GRCh38, 1-based): chr10:68,195,498, C>T. VCF-style: chr10-68195498-C-T. GRCh37 (hg19) VCF-style: chr10-69955255-C-T.
Other names: p.Arg1042Cys; c.3124C>T, p.Arg1042Cys (NM_001256267.2); c.2242C>T, p.Arg748Cys (NM_001256268.2); short protein forms R1042C, R748C.
Identifiers: ClinVar variation 155824 (VCV000155824.66), dbSNP rs151282801, ClinGen allele CA345856.

ClinVar aggregate classification (germline): Conflicting classifications of pathogenicity. Review status: criteria provided, conflicting classifications (1 of 4 stars). 12 submissions from 12 submitters: Uncertain significance (6); Likely benign (3). 3 of the submissions do not count toward it. Last evaluated 2026-01-14.

Conditions:
Cardiovascular phenotype. Identifiers: MedGen CN230736.
Dilated cardiomyopathy 1KK (CMD1KK). Identifiers: Orphanet 154, Orphanet 75249, MedGen C3714995, MONDO:0014100, OMIM 615248.

Allele frequency attached by ClinVar (database versions not stated): ESP Exome Variant Server 0.00023; gnomAD 0.00034 and 0.00038; TOPMed 0.00037; 1000 Genomes Project 0.00040; ExAC 0.00040; gnomAD exomes 0.00041; 1000 Genomes Project 30x 0.00047.

Submissions (12):

GeneDx
Classification: Uncertain significance. Last evaluated: 2026-01-14. Review status: criteria provided, single submitter. Criteria: GeneDx Variant Classification Process June 2021. Collection method: clinical testing. Allele origin: germline. Affected: yes.
Comment: In silico analysis supports that this missense variant has a deleterious effect on protein structure/function; Identified in patients with cardiomyopathy in published literature; several patients harbored additional cardiogenetic variants (PMID: 28798025, 26084686, 35284542, 30847666); This variant is associated with the following publications: (PMID: 26084686, 35284542, 30847666, 28798025)

Labcorp Genetics (formerly Invitae), Labcorp
Classification: Likely benign for Dilated cardiomyopathy 1KK. Last evaluated: 2025-12-08. Review status: criteria provided, single submitter. Criteria: Invitae Variant Classification Sherloc (09022015). Collection method: clinical testing. Allele origin: germline.

Women's Health and Genetics/Laboratory Corporation of America, LabCorp
Classification: Likely benign. Last evaluated: 2025-05-23. Review status: criteria provided, single submitter. Criteria: LabCorp Variant Classification Summary - May 2015. Collection method: clinical testing. Allele origin: germline.
Comment: Variant summary: MYPN c.3124C>T (p.Arg1042Cys) results in a non-conservative amino acid change in the encoded protein sequence. Algorithms developed to predict the effect of missense changes on protein structure and function are either unavailable or do not agree on the potential impact of this missense change. The variant allele was found at a frequency of 0.00041 in 251424 control chromosomes, predominantly at a frequency of 0.00075 within the South Asian subpopulation in the gnomAD database. The observed variant frequency within South Asian control individuals in the gnomAD database is approximately 1.5 fold of the estimated maximal expected allele frequency for a pathogenic variant in MYPN causing MYPN-Related Myopathy phenotype (0.0005). c.3124C>T has been observed in the presumed heterozygous state in individual(s) affected with Dilated Cardiomyopathy and/or other cardiomyopathies (example, Akinrinade_2015, Miszalski-Jamka_2017, van Lint_2019, Shen_2022), without strong evidence for causality. These report(s) do not provide unequivocal conclusions about association of the variant with MYPN-Related Myopathy. To our knowledge, no experimental evidence demonstrating an impact on protein function has been reported. The following publications have been ascertained in the context of this evaluation (PMID: 26084686, 28798025, 35284542, 30847666). ClinVar contains an entry for this variant (Variation ID: 155824). Based on the evidence outlined above, the variant was classified as likely benign.

Blueprint Genetics
Classification: Uncertain significance. Last evaluated: 2024-11-14. Review status: criteria provided, single submitter. Criteria: ACMG Guidelines, 2015. Collection method: clinical testing. Allele origin: germline.

Mayo Clinic Laboratories, Mayo Clinic
Classification: Uncertain significance. Last evaluated: 2024-04-11. Review status: criteria provided, single submitter. Criteria: ACMG Guidelines, 2015. Collection method: clinical testing. Allele origin: germline. Observed: 1 variant allele.
Comment: BS1

CeGaT Center for Human Genetics Tuebingen
Classification: Uncertain significance. Last evaluated: 2023-07-01. Review status: criteria provided, single submitter. Criteria: CeGaT Center For Human Genetics Tuebingen Variant Classification Criteria Version 2. Collection method: clinical testing. Allele origin: germline. Affected: yes. Observed: 1 variant allele.

Ambry Genetics
Classification: Likely benign for Cardiovascular phenotype. Last evaluated: 2021-02-09. Review status: criteria provided, single submitter. Criteria: Ambry Variant Classification Scheme 2023. Collection method: clinical testing. Allele origin: germline.

Clinical Genetics DNA and cytogenetics Diagnostics Lab, Erasmus MC, Erasmus Medical Center
Classification: Uncertain significance for Dilated cardiomyopathy 1KK. Last evaluated: 2017-05-31. Review status: criteria provided, single submitter. Criteria: ACGS Guidelines, 2013. Collection method: clinical testing. Allele origin: germline. Affected: yes. Study: VKGL Data-share Consensus.

Genome Diagnostics Laboratory, University Medical Center Utrecht
Classification: Uncertain significance for Dilated cardiomyopathy 1KK. Last evaluated: 2016-08-22. Review status: criteria provided, single submitter. Criteria: ACGS Guidelines, 2013. Collection method: clinical testing. Allele origin: germline. Affected: yes. Study: VKGL Data-share Consensus.

Clinical Genetics, Academic Medical Center
Classification: Uncertain significance. Review status: no assertion criteria provided. Collection method: clinical testing. Allele origin: germline. Affected: yes. Study: VKGL Data-share Consensus. Not counted in ClinVar's aggregate classification.

Diagnostic Laboratory, Department of Genetics, University Medical Center Groningen
Classification: Uncertain significance for Dilated cardiomyopathy 1KK. Review status: no assertion criteria provided. Collection method: clinical testing. Allele origin: germline. Affected: yes. Study: VKGL Data-share Consensus. Not counted in ClinVar's aggregate classification.

Joint Genome Diagnostic Labs from Nijmegen and Maastricht, Radboudumc and MUMC+
Classification: Uncertain significance. Review status: no assertion criteria provided. Collection method: clinical testing. Allele origin: germline. Affected: yes. Study: VKGL Data-share Consensus. Not counted in ClinVar's aggregate classification.

Literature cited by the submitters: PubMed 26084686 (cited by Women's Health and Genetics/Laboratory Corporation of America, LabCorp and Mayo Clinic Laboratories, Mayo Clinic); PubMed 28798025 (cited by 3 submitters); PubMed 30847666 (cited by 3 submitters); PubMed 35284542 (cited by Women's Health and Genetics/Laboratory Corporation of America, LabCorp).